The following is an entry in ClinVar:

NM_022168.4(IFIH1):c.1876C>T (p.Leu626Phe)

Gene: IFIH1 (interferon induced with helicase C domain 1; minus strand). Cytogenetic location: 2q24.2.
Variant type: single nucleotide variant.
Coding change: c.1876C>T on transcript NM_022168.4 (MANE Select); coding-DNA position 1876, C replaced by T.
Protein change: p.Leu626Phe; replaces leucine 626 with phenylalanine.
Molecular consequence: missense variant.
Genome position (GRCh38, 1-based): chr2:162,277,583, G>A on the plus strand (C>T on the coding strand, the complement: IFIH1 is on the minus strand). VCF-style: chr2-162277583-G-A. GRCh37 (hg19) VCF-style: chr2-163134093-G-A.
Other names: short protein forms L626F.
Identifiers: ClinVar variation 3373497 (VCV003373497.1).
Genomic context (GRCh38, chr2:162,277,583, plus strand): 5'-CACTATCATCTTCTATGACTGCAAACTTCTTATCTTTCTCTTCATTATAGAAAGTTTCAA[G>A]ATGAGTATACGCATCTATCATTCGAATTGTGTCATTAATTTGTAGGGCCTCATTGTACTT-3'
Protein context (NP_071451.2, residues 616-636): TIRMIDAYTH[Leu626Phe]ETFYNEEKDK

ClinVar aggregate classification (germline): Uncertain significance (1 of 4 stars; one submission).

gnomAD v4.1: 1 of 1,612,066 alleles (0.000062%); highest among the groups gnomAD compares: African/African-American, 0.0013%; no homozygotes.

Submission:

GeneDx
Classification: Uncertain significance. Last evaluated: 2024-02-28. Review status: criteria provided, single submitter. Criteria: GeneDx Variant Classification Process June 2021. Collection method: clinical testing. Allele origin: germline. Affected: yes.
Comment: Not observed at significant frequency in large population cohorts (gnomAD); In silico analysis supports that this missense variant has a deleterious effect on protein structure/function; Has not been previously published as pathogenic or benign to our knowledge